The following is an entry in ClinVar:

ClinVar aggregate classification (germline): Uncertain significance (1 of 4 stars; one submission).

Conditions:
Progressive sclerosing poliodystrophy (MTDPS4A). Also called: ALPERS PROGRESSIVE INFANTILE POLIODYSTROPHY; NEURONAL DEGENERATION OF CHILDHOOD WITH LIVER DISEASE, PROGRESSIVE; Alpers Syndrome; ALPERS DIFFUSE DEGENERATION OF CEREBRAL GRAY MATTER WITH HEPATIC CIRRHOSIS; Alpers-Huttenlocher Syndrome; Mitochondrial DNA depletion syndrome 4A (Alpers type). Identifiers: Orphanet 726, MedGen C0205710, MONDO:0008758, OMIM 203700.

Submission:

Labcorp Genetics (formerly Invitae), Labcorp
Classification: Uncertain significance for Progressive sclerosing poliodystrophy. Last evaluated: 2024-05-10. Review status: criteria provided, single submitter. Criteria: Invitae Variant Classification Sherloc (09022015). Collection method: clinical testing. Allele origin: germline.
Comment: This sequence change replaces arginine, which is basic and polar, with glycine, which is neutral and non-polar, at codon 279 of the POLG protein (p.Arg279Gly). This variant is not present in population databases (gnomAD no frequency). This variant has not been reported in the literature in individuals affected with POLG-related conditions. Advanced modeling of protein sequence and biophysical properties (such as structural, functional, and spatial information, amino acid conservation, physicochemical variation, residue mobility, and thermodynamic stability) performed at Invitae indicates that this missense variant is not expected to disrupt POLG protein function with a negative predictive value of 95%. In summary, the available evidence is currently insufficient to determine the role of this variant in disease. Therefore, it has been classified as a Variant of Uncertain Significance.

NM_002693.3(POLG):c.835A>G (p.Arg279Gly)

Gene: POLG (DNA polymerase gamma, catalytic subunit; minus strand). Cytogenetic location: 15q26.1.
Variant type: single nucleotide variant.
Coding change: c.835A>G on transcript NM_002693.3 (MANE Select); coding-DNA position 835, A replaced by G.
Protein change: p.Arg279Gly; replaces arginine 279 with glycine.
Molecular consequence: missense variant.
Genome position (GRCh38, 1-based): chr15:89,330,101, T>C on the plus strand (A>G on the coding strand, the complement: POLG is on the minus strand). VCF-style: chr15-89330101-T-C. GRCh37 (hg19) VCF-style: chr15-89873332-T-C.
Other names: c.835A>G, p.Arg279Gly (NM_001126131.2); short protein forms R279G.
Identifiers: ClinVar variation 3636649 (VCV003636649.2).